The following is an entry in ClinVar:

ClinVar aggregate classification (germline): Uncertain significance. Review status: criteria provided, multiple submitters, no conflicts (2 of 4 stars). 2 submissions from 2 submitters: Uncertain significance (2). Last evaluated 2024-10-16.

Allele frequency attached by ClinVar (database versions not stated): ExAC 0.00001; gnomAD exomes 0.00001 and 0.00002.
gnomAD v4.1: 23 of 1,614,188 alleles (0.0014%); highest among the groups gnomAD compares: Middle Eastern, 0.082%; no homozygotes.

Submissions (2):

Labcorp Genetics (formerly Invitae), Labcorp
Classification: Uncertain significance. Last evaluated: 2024-10-16. Review status: criteria provided, single submitter. Criteria: Invitae Variant Classification Sherloc (09022015). Collection method: clinical testing. Allele origin: germline.
Comment: This sequence change replaces leucine, which is neutral and non-polar, with serine, which is neutral and polar, at codon 242 of the LRIT3 protein (p.Leu242Ser). This variant is present in population databases (rs749730956, gnomAD 0.003%). This variant has not been reported in the literature in individuals affected with LRIT3-related conditions. ClinVar contains an entry for this variant (Variation ID: 957749). An algorithm developed to predict the effect of missense changes on protein structure and function outputs the following: PolyPhen-2: "Benign". The serine amino acid residue is found in multiple mammalian species, which suggests that this missense change does not adversely affect protein function. In summary, the available evidence is currently insufficient to determine the role of this variant in disease. Therefore, it has been classified as a Variant of Uncertain Significance.

Blueprint Genetics
Classification: Uncertain significance. Last evaluated: 2021-05-12. Review status: criteria provided, single submitter. Criteria: ACMG Guidelines, 2015. Collection method: clinical testing. Allele origin: germline.

NM_198506.5(LRIT3):c.725T>C (p.Leu242Ser)

Gene: LRIT3 (leucine rich repeat, Ig-like and transmembrane domains 3; plus strand). Cytogenetic location: 4q25.
Variant type: single nucleotide variant.
Coding change: c.725T>C on transcript NM_198506.5 (MANE Select); coding-DNA position 725, T replaced by C.
Protein change: p.Leu242Ser; replaces leucine 242 with serine.
Molecular consequence: missense variant.
Genome position (GRCh38, 1-based): chr4:109,867,776, T>C. VCF-style: chr4-109867776-T-C. GRCh37 (hg19) VCF-style: chr4-110788932-T-C.
Other names: short protein forms L242S.
Identifiers: ClinVar variation 957749 (VCV000957749.7), dbSNP rs749730956, ClinGen allele CA3043052.